The following is an entry in ClinVar:

NM_002485.5(NBN):c.136G>C (p.Ala46Pro)

Gene: NBN (nibrin; minus strand). Cytogenetic location: 8q21.3.
Variant type: single nucleotide variant.
Coding change: c.136G>C on transcript NM_002485.5 (MANE Select); coding-DNA position 136, G replaced by C.
Protein change: p.Ala46Pro; replaces alanine 46 with proline.
Molecular consequence: missense variant. On other transcripts: 5 prime UTR variant (1).
Genome position (GRCh38, 1-based): chr8:89,982,757, C>G on the plus strand (G>C on the coding strand, the complement: NBN is on the minus strand). VCF-style: chr8-89982757-C-G. GRCh37 (hg19) VCF-style: chr8-90994985-C-G.
Other names: c.-161G>C (NM_001024688.3); short protein forms A46P.
Identifiers: ClinVar variation 1426509 (VCV001426509.8), dbSNP rs1812129847, ClinGen allele CA371663017.

ClinVar aggregate classification (germline): Uncertain significance. Review status: criteria provided, multiple submitters, no conflicts (2 of 4 stars). 2 submissions from 2 submitters: Uncertain significance (2). Last evaluated 2021-09-26.

Conditions:
Hereditary cancer-predisposing syndrome. Also called: Hereditary neoplastic syndrome; Tumor predisposition; Hereditary Cancer Syndrome; Neoplastic Syndromes, Hereditary. Identifiers: Orphanet 140162, MedGen C0027672, MeSH D009386, MONDO:0015356.
Microcephaly, normal intelligence and immunodeficiency (NBS). Also called: Nijmegen breakage syndrome; Microcephaly with normal intelligence immunodeficiency and lymphoreticular malignancies; Nonsyndromal microcephaly autosomal recessive with normal intelligence; Seemanova syndrome 2; IMMUNODEFICIENCY, MICROCEPHALY, AND CHROMOSOMAL INSTABILITY; BERLIN BREAKAGE SYNDROME. Identifiers: Orphanet 647, MedGen C0398791, MONDO:0009623, OMIM 251260.

Allele frequency attached by ClinVar (database versions not stated): TOPMed below 0.00001; gnomAD 0.00001.
gnomAD v4.1: 1 of 1,613,890 alleles (0.000062%); highest among the groups gnomAD compares: African/African-American, 0.0013%; no homozygotes.

Submissions (2):

Ambry Genetics
Classification: Uncertain significance for Hereditary cancer-predisposing syndrome. Last evaluated: 2021-09-26. Review status: criteria provided, single submitter. Criteria: Ambry Variant Classification Scheme 2023. Collection method: clinical testing. Allele origin: germline.
Comment: The p.A46P variant (also known as c.136G>C), located in coding exon 2 of the NBN gene, results from a G to C substitution at nucleotide position 136. The alanine at codon 46 is replaced by proline, an amino acid with highly similar properties. This amino acid position is conserved. In addition, this alteration is predicted to be deleterious by in silico analysis. Since supporting evidence is limited at this time, the clinical significance of this alteration remains unclear.

Labcorp Genetics (formerly Invitae), Labcorp
Classification: Uncertain significance for Microcephaly, normal intelligence and immunodeficiency. Last evaluated: 2021-09-10. Review status: criteria provided, single submitter. Criteria: Invitae Variant Classification Sherloc (09022015). Collection method: clinical testing. Allele origin: germline.
Comment: In summary, the available evidence is currently insufficient to determine the role of this variant in disease. Therefore, it has been classified as a Variant of Uncertain Significance. Algorithms developed to predict the effect of missense changes on protein structure and function are either unavailable or do not agree on the potential impact of this missense change (SIFT: "Deleterious"; PolyPhen-2: "Probably Damaging"; Align-GVGD: "Class C0"). This variant has not been reported in the literature in individuals affected with NBN-related conditions. This variant is not present in population databases (ExAC no frequency). This sequence change replaces alanine with proline at codon 46 of the NBN protein (p.Ala46Pro). The alanine residue is highly conserved and there is a small physicochemical difference between alanine and proline.